The following is an entry in ClinVar:

ClinVar aggregate classification (germline): Uncertain significance (1 of 4 stars; one submission).

Allele frequency attached by ClinVar (database versions not stated): TOPMed below 0.00001; ExAC 0.00001.
gnomAD v4.1: 11 of 1,607,716 alleles (0.00068%); highest among the groups gnomAD compares: Middle Eastern, 0.033%; no homozygotes.

Submission:

Labcorp Genetics (formerly Invitae), Labcorp
Classification: Uncertain significance. Last evaluated: 2022-02-20. Review status: criteria provided, single submitter. Criteria: Invitae Variant Classification Sherloc (09022015). Collection method: clinical testing. Allele origin: germline.
Comment: This variant is present in population databases (rs750851515, gnomAD 0.003%). In summary, the available evidence is currently insufficient to determine the role of this variant in disease. Therefore, it has been classified as a Variant of Uncertain Significance. Algorithms developed to predict the effect of missense changes on protein structure and function (SIFT, PolyPhen-2, Align-GVGD) all suggest that this variant is likely to be tolerated. This variant has not been reported in the literature in individuals affected with LAMA5-related conditions. This sequence change replaces threonine, which is neutral and polar, with isoleucine, which is neutral and non-polar, at codon 3539 of the LAMA5 protein (p.Thr3539Ile).

NM_005560.6(LAMA5):c.10616C>T (p.Thr3539Ile)

Gene: LAMA5 (laminin subunit alpha 5; minus strand). Cytogenetic location: 20q13.33.
Variant type: single nucleotide variant.
Coding change: c.10616C>T on transcript NM_005560.6 (MANE Select); coding-DNA position 10616, C replaced by T.
Protein change: p.Thr3539Ile; replaces threonine 3539 with isoleucine.
Molecular consequence: missense variant.
Genome position (GRCh38, 1-based): chr20:62,310,296, G>A on the plus strand (C>T on the coding strand, the complement: LAMA5 is on the minus strand). VCF-style: chr20-62310296-G-A. GRCh37 (hg19) VCF-style: chr20-60885352-G-A.
Other names: short protein forms T3539I.
Identifiers: ClinVar variation 1917363 (VCV001917363.5), dbSNP rs750851515, ClinGen allele CA9939701.